The following is an entry in ClinVar:

NM_152274.5(CCNQ):c.287T>C (p.Val96Ala)

Gene: CCNQ (cyclin Q; minus strand). Cytogenetic location: Xq28.
Variant type: single nucleotide variant.
Coding change: c.287T>C on transcript NM_152274.5 (MANE Select); coding-DNA position 287, T replaced by C.
Protein change: p.Val96Ala; replaces valine 96 with alanine.
Molecular consequence: missense variant.
Genome position (GRCh38, 1-based): chrX:153,596,013, A>G on the plus strand (T>C on the coding strand, the complement: CCNQ is on the minus strand). VCF-style: chrX-153596013-A-G. GRCh37 (hg19) VCF-style: chrX-152861471-A-G.
Other names: c.287T>C, p.Val96Ala (NM_001130997.3); short protein forms V96A.
Identifiers: ClinVar variation 3632697 (VCV003632697.2).

ClinVar aggregate classification (germline): Uncertain significance (1 of 4 stars; one submission).

Submission:

Labcorp Genetics (formerly Invitae), Labcorp
Classification: Uncertain significance. Last evaluated: 2024-08-21. Review status: criteria provided, single submitter. Criteria: Invitae Variant Classification Sherloc (09022015). Collection method: clinical testing. Allele origin: germline.
Comment: This sequence change replaces valine, which is neutral and non-polar, with alanine, which is neutral and non-polar, at codon 96 of the CCNQ protein (p.Val96Ala). This variant is not present in population databases (gnomAD no frequency). This variant has not been reported in the literature in individuals affected with CCNQ-related conditions. Experimental studies and prediction algorithms are not available or were not evaluated, and the functional significance of this variant is currently unknown. In summary, the available evidence is currently insufficient to determine the role of this variant in disease. Therefore, it has been classified as a Variant of Uncertain Significance.